The following is an entry in ClinVar:

NM_024867.4(SPEF2):c.277G>A (p.Ala93Thr)

Gene: SPEF2 (sperm flagellar 2; plus strand). Cytogenetic location: 5p13.2.
Variant type: single nucleotide variant.
Coding change: c.277G>A on transcript NM_024867.4 (MANE Select); coding-DNA position 277, G replaced by A.
Protein change: p.Ala93Thr; replaces alanine 93 with threonine.
Molecular consequence: missense variant.
Genome position (GRCh38, 1-based): chr5:35,641,546, G>A. VCF-style: chr5-35641546-G-A. GRCh37 (hg19) VCF-style: chr5-35641648-G-A.
Other names: c.277G>A, p.Ala93Thr (NM_144722.4); short protein forms A93T.
Identifiers: ClinVar variation 3036780 (VCV003036780.2), dbSNP rs149043842, ClinGen allele CA3230115.

ClinVar aggregate classification (germline): Likely benign (0 of 4 stars; one submission).

Conditions:
SPEF2-related disorder. Also called: SPEF2-related condition.

Allele frequency attached by ClinVar (database versions not stated): ESP Exome Variant Server 0.00008; TOPMed 0.00027; 1000 Genomes Project 30x 0.00031; 1000 Genomes Project 0.00040; gnomAD 0.00062; ExAC 0.00092.
gnomAD v4.1: 860 of 1,613,772 alleles (0.053%); highest among the groups gnomAD compares: East Asian, 0.18%; 1 homozygote.

Submission:

PreventionGenetics, part of Exact Sciences
Classification: Likely benign for SPEF2-related condition. Last evaluated: 2022-03-23. Review status: no assertion criteria provided. Collection method: clinical testing. Allele origin: germline.
Comment: This variant is classified as likely benign based on ACMG/AMP sequence variant interpretation guidelines (Richards et al. 2015 PMID: 25741868, with internal and published modifications).